The following is an entry in ClinVar:

ClinVar aggregate classification (germline): Uncertain significance. Review status: criteria provided, multiple submitters, no conflicts (2 of 4 stars). 2 submissions from 2 submitters: Uncertain significance (2). Last evaluated 2025-02-05.

Conditions:
Inborn genetic diseases. Identifiers: MedGen C0950123, MeSH D030342.

Allele frequency attached by ClinVar (database versions not stated): gnomAD exomes below 0.00001; TOPMed below 0.00001; gnomAD 0.00001.
gnomAD v4.1: 2 of 1,613,584 alleles (0.00012%); highest among the groups gnomAD compares: Non-Finnish European, 0.00017%; no homozygotes.

Submissions (2):

Ambry Genetics
Classification: Uncertain significance for Inborn genetic diseases. Last evaluated: 2025-02-05. Review status: criteria provided, single submitter. Criteria: Ambry Variant Classification Scheme 2023. Collection method: clinical testing. Allele origin: germline.

CeGaT Center for Human Genetics Tuebingen
Classification: Uncertain significance. Last evaluated: 2023-02-01. Review status: criteria provided, single submitter. Criteria: CeGaT Center For Human Genetics Tuebingen Variant Classification Criteria Version 2. Collection method: clinical testing. Allele origin: germline. Affected: yes. Observed: 1 variant allele.
Comment: MYBPC1: PM2, BP4

NM_002465.4(MYBPC1):c.1220T>C (p.Ile407Thr)

Genes: MYBPC1 (myosin binding protein C1; plus strand), LOC105369937 (uncharacterized LOC105369937; minus strand). Cytogenetic location: 12q23.2.
Variant type: single nucleotide variant.
Coding change: c.1220T>C on transcript NM_002465.4 (MANE Select); coding-DNA position 1220, T replaced by C.
Protein change: p.Ile407Thr; replaces isoleucine 407 with threonine.
Molecular consequence: missense variant.
Genome position (GRCh38, 1-based): chr12:101,649,283, T>C. VCF-style: chr12-101649283-T-C. GRCh37 (hg19) VCF-style: chr12-102043061-T-C.
Other names: c.1145T>C, p.Ile382Thr (NM_001254718.3, NM_001254719.3, NM_206820.4 and 1 more transcripts); c.1109T>C, p.Ile370Thr (NM_001254720.3); c.1088T>C, p.Ile363Thr (NM_001254721.3, NM_001404676.1, NM_001404678.1); c.1067T>C, p.Ile356Thr (NM_001254722.3, NM_001404680.1); c.1106T>C, p.Ile369Thr (NM_001254723.3); c.1220T>C, p.Ile407Thr (NM_001404675.1, NM_206819.4); c.1010T>C, p.Ile337Thr (NM_001404677.1, NM_001404679.1, NM_001404681.1); c.1220T>C (NM_002465.2); short protein forms I337T, I356T, I363T, I369T, I370T, I382T, I407T.
Identifiers: ClinVar variation 2643239 (VCV002643239.25), dbSNP rs1893895578, ClinGen allele CA386282058.